The following is an entry in ClinVar:

NM_001130987.2(DYSF):c.3247dup (p.Glu1083fs)

Gene: DYSF (dysferlin; plus strand). Cytogenetic location: 2p13.2.
Variant type: Duplication.
Coding change: c.3247dup on transcript NM_001130987.2 (MANE Select); coding-DNA position 3247, one base duplicated (G; older notation c.3247dupG).
Protein change: p.Glu1083fs; shifts the reading frame from glutamic acid 1083.
Molecular consequence: frameshift variant.
Genome position (GRCh38, 1-based): chr2:71,574,216, G duplicated; the last of 2 consecutive G bases (chr2:71,574,215-71,574,216); duplicating either gives the same sequence. VCF-style (leftmost placement, unchanged base first): chr2-71574214-C-CG. GRCh37 (hg19) VCF-style: chr2-71801344-C-CG.
Other names: c.3196dup, p.Glu1066fs (NM_001130455.2, NM_001130983.2); c.3151dup, p.Glu1051fs (NM_001130976.2, NM_001130977.2); c.3193dup, p.Glu1065fs (NM_001130978.2, NM_003494.4); c.3286dup, p.Glu1096fs (NM_001130979.2); c.3244dup, p.Glu1082fs (NM_001130980.2, NM_001130981.2); c.3289dup, p.Glu1097fs (NM_001130982.2); c.3154dup, p.Glu1052fs (NM_001130984.2, NM_001130986.2); c.3247dup, p.Glu1083fs (NM_001130985.2); short protein forms E1051fs, E1052fs, E1065fs, E1066fs, E1082fs, E1083fs, E1096fs, E1097fs.
Identifiers: ClinVar variation 5012025 (VCV005012025.1).

ClinVar aggregate classification (germline): Pathogenic (1 of 4 stars; one submission).

Conditions:
Autosomal recessive limb-girdle muscular dystrophy. Identifiers: Orphanet 102015, MedGen C2931907, MONDO:0015152.

Submission:

Myriad Genetics, Inc.
Classification: Pathogenic for Autosomal recessive limb-girdle muscular dystrophy. Last evaluated: 2023-09-27. Review status: criteria provided, single submitter. Criteria: Myriad Autosomal Dominant, Autosomal Recessive and X-Linked Classification Criteria (2023). Collection method: clinical testing. Allele origin: unknown.
Comment: NM_003494.3(DYSF):c.3193dupG(E1065Gfs*49) is expected to be pathogenic in the context of dysferlinopathy. This variant is predicted to lead to an abnormal or absent protein product due to the creation of a premature termination codon in DYSF, a gene where loss-of-function variants are known to be pathogenic. Please note: this variant was assessed in the context of healthy population screening.